The following is an entry in ClinVar:

NM_000540.3(RYR1):c.7834_7835+20del

Gene: RYR1 (ryanodine receptor 1; plus strand). Cytogenetic location: 19q13.2.
Variant type: Deletion.
Coding change: c.7834_7835+20del on transcript NM_000540.3 (MANE Select); coding-DNA position 7834 through 20 bases into the intron after coding-DNA position 7835, 22 bases deleted (AGGTGGAGCGGGGCAGGCTTCA).
Molecular consequence: splice donor variant.
Genome position (GRCh38, 1-based): chr19:38,502,726-38,502,747, AGGTGGAGCGGGGCAGGCTTCA deleted. VCF-style (leftmost placement, unchanged base first): chr19-38502725-CAGGTGGAGCGGGGCAGGCTTCA-C. GRCh37 (hg19) VCF-style: chr19-38993365-CAGGTGGAGCGGGGCAGGCTTCA-C.
Other names: c.7834_7835+20del (NM_001042723.2).
Identifiers: ClinVar variation 4758668 (VCV004758668.1).

ClinVar aggregate classification (germline): Uncertain significance (1 of 4 stars; one submission).

Conditions:
Malignant hyperthermia, susceptibility to, 1 (MHS1). Also called: RYR1-Related Malignant Hyperthermia Susceptibility; Malignant hyperthermia suceptibility 1; Anesthesia related hyperthermia; Malignant hyperpyrexia; Fulminating hyperpyrexia; Pharmacogenic myopathy. Identifiers: Orphanet 423, MedGen C2930980, MONDO:0007783, OMIM 145600.

Submission:

Color Diagnostics, LLC DBA Color Health
Classification: Uncertain significance for Malignant hyperthermia, susceptibility to, 1. Last evaluated: 2025-06-24. Review status: criteria provided, single submitter. Criteria: ACMG Guidelines, 2015. Collection method: clinical testing. Allele origin: germline.
Comment: This variant causes the deletion of the last 2 nucleotides of exon 48 and first 20 nucleotides of intron 48 in the RYR1 gene. To our knowledge, RNA studies have not been reported for this variant. This variant has not been reported in individuals affected with RYR1-related disorders in the literature. This variant has not been identified in the general population by the Genome Aggregation Database (gnomAD). Loss of RYR1 function due to disruption of canonical splice sites is not an established disease mechanism for autosomal dominant malignant hyperthermia, although it is associated with other phenotype(s). Therefore, this variant is classified as a Variant of Uncertain Significance for autosomal dominant malignant hyperthermia.